The following is an entry in ClinVar:

NM_032977.4(CASP10):c.*1043C>T

Gene: CASP10 (caspase 10; plus strand). Cytogenetic location: 2q33.1.
Variant type: single nucleotide variant.
Coding change: c.*1043C>T on transcript NM_032977.4 (MANE Select); 1043 bases downstream of the stop codon, C replaced by T.
Molecular consequence: 3 prime UTR variant. On other transcripts: intron variant (2).
Genome position (GRCh38, 1-based): chr2:201,218,784, C>T. VCF-style: chr2-201218784-C-T. GRCh37 (hg19) VCF-style: chr2-202083507-C-T.
Other names: c.*1043C>T (NM_001206524.2, NM_001230.5); c.*1698C>T (NM_032976.4); c.1415+9222C>T (NM_032974.5); c.1286+9222C>T (NM_001206542.2).
Identifiers: ClinVar variation 333458 (VCV000333458.30), dbSNP rs553212718, ClinGen allele CA10613753.

ClinVar aggregate classification (germline): Benign/Likely benign. Review status: criteria provided, multiple submitters, no conflicts (2 of 4 stars). 3 submissions from 3 submitters: Benign (2); Likely benign (1). Last evaluated 2022-12-01.

Conditions:
Autoimmune lymphoproliferative syndrome type 2A (ALPS2A). Also called: Autoimmune lymphoproliferative syndrome type 2; CASP10-Related Autoimmune Lymphoproliferative Syndrome; AUTOIMMUNE LYMPHOPROLIFERATIVE SYNDROME, TYPE IIA. Identifiers: Orphanet 3261, MedGen C1858968, MONDO:0011383, OMIM 603909.

Allele frequency attached by ClinVar (database versions not stated): 1000 Genomes Project 0.00100; 1000 Genomes Project 30x 0.00141; gnomAD 0.00334; TOPMed 0.00339; gnomAD exomes 0.00661.

Submissions (3):

CeGaT Center for Human Genetics Tuebingen
Classification: Benign. Last evaluated: 2022-12-01. Review status: criteria provided, single submitter. Criteria: CeGaT Center For Human Genetics Tuebingen Variant Classification Criteria Version 2. Collection method: clinical testing. Allele origin: germline. Affected: yes. Observed: 1 variant allele.
Comment: CASP10: BS1, BS2

Blueprint Genetics
Classification: Likely benign. Last evaluated: 2018-05-18. Review status: criteria provided, single submitter. Criteria: ACMG Guidelines, 2015. Collection method: clinical testing. Allele origin: germline.

Illumina Laboratory Services, Illumina
Classification: Benign for Autoimmune lymphoproliferative syndrome type 2A. Last evaluated: 2018-01-13. Review status: criteria provided, single submitter. Criteria: ICSL Variant Classification Criteria 13 December 2019. Collection method: clinical testing. Allele origin: germline.
Comment: This variant was observed in the ICSL laboratory as part of a predisposition screen in an ostensibly healthy population. It had not been previously curated by ICSL or reported in the Human Gene Mutation Database (HGMD: prior to June 1st, 2018), and was therefore a candidate for classification through an automated scoring system. Utilizing variant allele frequency, disease prevalence and penetrance estimates, and inheritance mode, an automated score was calculated to assess if this variant is too frequent to cause the disease. Based on the score and internal cut-off values, a variant classified as benign is not then subjected to further curation. The score for this variant resulted in a classification of benign for this disease.